The following is an entry in ClinVar:

ClinVar aggregate classification (germline): Benign/Likely benign. Review status: criteria provided, multiple submitters, no conflicts (2 of 4 stars). 3 submissions from 3 submitters: Benign (1); Likely benign (2). Last evaluated 2024-08-29.

Conditions:
Hereditary cancer-predisposing syndrome. Also called: Hereditary Cancer Syndrome; Neoplastic Syndromes, Hereditary; Hereditary neoplastic syndrome; Tumor predisposition. Identifiers: Orphanet 140162, MedGen C0027672, MeSH D009386, MONDO:0015356.
Oligodontia-cancer predisposition syndrome. Also called: TOOTH AGENESIS-COLORECTAL CANCER SYNDROME. Identifiers: Orphanet 300576, MedGen C1837750, MONDO:0012075, OMIM 608615. Disease mechanism: loss of function.

Allele frequency attached by ClinVar (database versions not stated): TOPMed 0.00002.
gnomAD v4.1: 1 of 1,614,104 alleles (0.000062%); highest among the groups gnomAD compares: African/African-American, 0.0013%; no homozygotes.

Submissions (3):

Labcorp Genetics (formerly Invitae), Labcorp
Classification: Likely benign for Oligodontia-cancer predisposition syndrome. Last evaluated: 2024-08-29. Review status: criteria provided, single submitter. Criteria: Invitae Variant Classification Sherloc (09022015). Collection method: clinical testing. Allele origin: germline.

Myriad Genetics, Inc.
Classification: Benign for Oligodontia-cancer predisposition syndrome. Last evaluated: 2024-07-01. Review status: criteria provided, single submitter. Criteria: Myriad Autosomal Dominant, Autosomal Recessive and X-Linked Classification Criteria (2023). Collection method: clinical testing. Allele origin: unknown.
Comment: This variant is considered benign. This variant is a silent/synonymous amino acid change and it is not expected to impact splicing.

Ambry Genetics
Classification: Likely benign for Hereditary cancer-predisposing syndrome. Last evaluated: 2023-02-25. Review status: criteria provided, single submitter. Criteria: Ambry Variant Classification Scheme 2023. Collection method: clinical testing. Allele origin: germline.

NM_004655.4(AXIN2):c.1107C>A (p.Thr369=)

Gene: AXIN2 (axin 2; minus strand). Cytogenetic location: 17q24.1.
Variant type: single nucleotide variant.
Coding change: c.1107C>A on transcript NM_004655.4 (MANE Select); coding-DNA position 1107, C replaced by A.
Protein change: p.Thr369=; no amino-acid change (threonine 369 retained).
Molecular consequence: synonymous variant.
Genome position (GRCh38, 1-based): chr17:65,538,296, G>T on the plus strand (C>A on the coding strand, the complement: AXIN2 is on the minus strand). VCF-style: chr17-65538296-G-T. GRCh37 (hg19) VCF-style: chr17-63534414-G-T.
Other names: c.1107C>A, p.Thr369= (NM_001363813.1).
Identifiers: ClinVar variation 698938 (VCV000698938.13), dbSNP rs1177671049, ClinGen allele CA501476367.